The following is an entry in ClinVar:

ClinVar aggregate classification (germline): Pathogenic. Review status: criteria provided, multiple submitters, no conflicts (2 of 4 stars). 7 submissions from 7 submitters: Pathogenic (6). 1 of the submissions does not count toward it. Last evaluated 2024-11-01.

Conditions:
DE SANCTIS-CACCHIONE SYNDROME. Identifiers: MedGen C0265201, MONDO:0010217, OMIM 278800.
Lung carcinoma. Identifiers: MedGen C0684249, MONDO:0005138.
Cerebrooculofacioskeletal syndrome 1 (COFS1). Also called: Cerebro-oculo-facio-skeletal syndrome 1. Identifiers: MedGen C0220722, MONDO:0008955, OMIM 214150.
Cockayne syndrome type 2 (CSB). Also called: COCKAYNE SYNDROME B; Cockayne Syndrome, Type II. Identifiers: Orphanet 191, Orphanet 90322, MedGen C0751038, MONDO:0019570, OMIM 133540.
UV-sensitive syndrome 1 (UVSS1). Identifiers: Orphanet 178338, MedGen C3551173, MONDO:0010909, OMIM 600630.
Age related macular degeneration 5. Identifiers: MedGen C3151063, MONDO:0013409, OMIM 613761.
Premature ovarian failure 11 (POF11). Identifiers: MedGen C4310783, MONDO:0014843, OMIM 616946.

Allele frequency attached by ClinVar (database versions not stated): gnomAD 0.00001; gnomAD exomes 0.00001 and 0.00003; ExAC 0.00002; TOPMed 0.00002; ESP Exome Variant Server 0.00008.
gnomAD v4.1: 41 of 1,613,794 alleles (0.0025%); highest among the groups gnomAD compares: Non-Finnish European, 0.0031%; no homozygotes.

Submissions (7):

Revvity Omics, Revvity
Classification: Pathogenic. Last evaluated: 2024-11-01. Review status: criteria provided, single submitter. Criteria: ACMG Guidelines, 2015. Collection method: clinical testing. Allele origin: germline.

Labcorp Genetics (formerly Invitae), Labcorp
Classification: Pathogenic. Last evaluated: 2024-01-17. Review status: criteria provided, single submitter. Criteria: Invitae Variant Classification Sherloc (09022015). Collection method: clinical testing. Allele origin: germline.
Comment: This sequence change affects an acceptor splice site in intron 15 of the ERCC6 gene. RNA analysis indicates that disruption of this splice site induces altered splicing and may result in an absent or disrupted protein product. This variant is present in population databases (rs373227647, gnomAD 0.003%). Disruption of this splice site has been observed in individuals with Cockayne syndrome (PMID: 19894250, 24154677). ClinVar contains an entry for this variant (Variation ID: 190163). Studies have shown that disruption of this splice site results in skipping of exon 16 and introduces a premature termination codon (PMID: 19894250). The resulting mRNA is expected to undergo nonsense-mediated decay. For these reasons, this variant has been classified as Pathogenic.

Clinical Genetics Laboratory, Skane University Hospital Lund
Classification: Pathogenic. Last evaluated: 2022-05-27. Review status: criteria provided, single submitter. Criteria: ACMG Guidelines, 2015. Collection method: clinical testing. Allele origin: germline. Affected: yes.

Fulgent Genetics
Classification: Pathogenic for Cockayne syndrome type 2; Lung cancer; Cerebrooculofacioskeletal syndrome 1; DE SANCTIS-CACCHIONE SYNDROME; UV-sensitive syndrome 1; Age related macular degeneration 5; Premature ovarian failure 11. Last evaluated: 2018-10-31. Review status: criteria provided, single submitter. Criteria: ACMG Guidelines, 2015. Collection method: clinical testing. Allele origin: unknown.

GeneDx
Classification: Pathogenic. Last evaluated: 2016-07-19. Review status: criteria provided, single submitter. Criteria: GeneDx Variant Classification (06012015). Collection method: clinical testing. Allele origin: germline. Affected: yes.
Comment: The c.2830-2A>G pathogenic variant in the ERCC6 gene has been reported previously in two unrelated individuals with congenital Cockayne syndrome (Frouin et al., 2013; Laugel et al., 2010). This splice site variant destroys the canonical splice acceptor site in intron 15. It is predicted to cause abnormal gene splicing, either leading to an abnormal message that is subject to nonsense-mediated mRNA decay, or to an abnormal protein product if the message is used for protein translation. The c.2830-2A>G variant was not observed in the homozgyous state or at any significant frequency in approximately 6500 individuals of European and African American ancestry by the NHLBI Exome Sequencing Project. We interpret c.2830-2A>G as a pathogenic variant.

Claritas Genomics
Classification: Pathogenic for Cockayne syndrome, type B. Last evaluated: 2012-09-21. Review status: criteria provided, single submitter. Criteria: ACMG Guidelines, 2007. Collection method: clinical testing. Allele origin: germline. Inheritance: Autosomal recessive inheritance.

Counsyl
Classification: Pathogenic for DE SANCTIS-CACCHIONE SYNDROME. Last evaluated: 2017-07-13. Review status: no assertion criteria provided. Collection method: clinical testing. Allele origin: unknown. Not counted in ClinVar's aggregate classification.

Literature cited by the submitters: PubMed 19894250 (cited by Labcorp Genetics (formerly Invitae), Labcorp and Counsyl); PubMed 24154677 (cited by Labcorp Genetics (formerly Invitae), Labcorp); PubMed 23311583 (cited by Counsyl).

NM_000124.4(ERCC6):c.2830-2A>G

Genes: ERCC6 (ERCC excision repair 6, chromatin remodeling factor; minus strand), LOC126860933 (BRD4-independent group 4 enhancer GRCh37_chr10:50679962-50681161; plus strand). Cytogenetic location: 10q11.23.
Variant type: single nucleotide variant.
Coding change: c.2830-2A>G on transcript NM_000124.4 (MANE Select); the canonical splice acceptor site of the intron before coding-DNA position 2830, A replaced by G.
Molecular consequence: splice acceptor variant.
Genome position (GRCh38, 1-based): chr10:49,472,472, T>C on the plus strand (A>G on the coding strand, the complement: ERCC6 is on the minus strand). VCF-style: chr10-49472472-T-C. GRCh37 (hg19) VCF-style: chr10-50680518-T-C.
Other names: c.2830-2A>G (NM_001346440.2).
Identifiers: ClinVar variation 190163 (VCV000190163.17), dbSNP rs373227647, ClinGen allele CA274705.